The following is an entry in ClinVar:

ClinVar aggregate classification (germline): Uncertain significance (1 of 4 stars; one submission).

Allele frequency attached by ClinVar (database versions not stated): gnomAD exomes below 0.00001; TOPMed below 0.00001.
gnomAD v4.1: 1 of 1,614,110 alleles (0.000062%); highest among the groups gnomAD compares: Non-Finnish European, 0.000085%; no homozygotes.

Submission:

GeneDx
Classification: Uncertain significance. Last evaluated: 2017-07-11. Review status: criteria provided, single submitter. Criteria: GeneDx Variant Classification (06012015). Collection method: clinical testing. Allele origin: germline. Affected: yes.
Comment: A variant of uncertain significance has been identified in the DSP gene. The G854S variant has not been published as pathogenic or been reported as benign to our knowledge. This variant is not observed in large population cohorts (Lek et al., 2016; 1000 Genomes Consortium et al., 2015; Exome Variant Server). The G854S variant is a non-conservative amino acid substitution, which is likely to impact secondary protein structure as these residues differ in polarity, charge, size and/or other properties. However, this substitution occurs at a position that is only conserved in mammals and where serine (S) is the wild type in multiple non-mammalian species. Finally, in silico analysis is inconsistent in its predictions as to whether or not the variant is damaging to the protein structure/function.

NM_004415.4(DSP):c.2560G>A (p.Gly854Ser)

Gene: DSP (desmoplakin; plus strand). Cytogenetic location: 6p24.3.
Variant type: single nucleotide variant.
Coding change: c.2560G>A on transcript NM_004415.4 (MANE Select); coding-DNA position 2560, G replaced by A.
Protein change: p.Gly854Ser; replaces glycine 854 with serine.
Molecular consequence: missense variant.
Genome position (GRCh38, 1-based): chr6:7,575,418, G>A. VCF-style: chr6-7575418-G-A. GRCh37 (hg19) VCF-style: chr6-7575651-G-A.
Other names: c.2560G>A (LRG_423t1); c.2560G>A, p.Gly854Ser (NM_001008844.3, NM_001319034.2); short protein forms G854S.
Identifiers: ClinVar variation 450420 (VCV000450420.2), dbSNP rs1554107628, ClinGen allele CA362681610.